The following is an entry in ClinVar:

NM_001429.4(EP300):c.6290_6292del (p.Pro2097del)

Gene: EP300 (EP300 lysine acetyltransferase; plus strand). Cytogenetic location: 22q13.2.
Variant type: Deletion.
Coding change: c.6290_6292del on transcript NM_001429.4 (MANE Select); coding-DNA positions 6290 to 6292, 3 bases deleted (CAC; older notation c.6290_6292delCAC).
Protein change: p.Pro2097del; deletes proline 2097.
Molecular consequence: inframe deletion.
Genome position (GRCh38, 1-based): chr22:41,178,001-41,178,003, CAC deleted; deleting any 3 consecutive bases within chr22:41,178,000-41,178,003 gives the same sequence; the c. name uses the placement nearest the transcript's 3' end. VCF-style (leftmost placement, unchanged base first): chr22-41177999-TCCA-T. GRCh37 (hg19) VCF-style: chr22-41574003-TCCA-T.
Other names: c.6212_6214del, p.Pro2071del (NM_001362843.2); short protein forms P2071del, P2097del.
Identifiers: ClinVar variation 4979407 (VCV004979407.1).

ClinVar aggregate classification (germline): Uncertain significance (1 of 4 stars; one submission).

Conditions:
EP300-related disorder. Also called: EP300-related condition; EP300-related disorders.

Submission:

PreventionGenetics, part of Exact Sciences
Classification: Uncertain significance for EP300-related condition. Last evaluated: 2025-07-15. Review status: criteria provided, single submitter. Criteria: ACMG Guidelines, 2015. Collection method: clinical testing. Allele origin: germline.
Comment: The EP300 c.6290_6292delCAC variant is predicted to result in an in-frame deletion (p.Pro2097del). To our knowledge, this variant has not been reported in the literature or in a large population database (gnomAD), indicating this variant is rare. At this time, the clinical significance of this variant is uncertain due to the absence of conclusive functional and genetic evidence.